The following is an entry in ClinVar:

ClinVar aggregate classification (germline): Uncertain significance (1 of 4 stars; one submission).

Submission:

GeneDx
Classification: Uncertain significance. Last evaluated: 2025-02-07. Review status: criteria provided, single submitter. Criteria: GeneDx Variant Classification Process June 2021. Collection method: clinical testing. Allele origin: germline. Affected: yes.
Comment: Observed with a second variant in a patient with polycystic kidney disease in published literature; of note, both variants are present on the same allele (in cis) and segregate with disease in affected individuals from a single family (PMID: 11571556); In-frame deletion of one amino acid in a non-repeat region; In silico analysis supports a deleterious effect on protein structure/function; This variant is associated with the following publications: (PMID: 25266109, 11571556)

NM_001009944.3(PKD1):c.7735_7737del (p.Gly2579del)

Gene: PKD1 (polycystin 1, transient receptor potential channel interacting; minus strand). Cytogenetic location: 16p13.3.
Variant type: Deletion.
Coding change: c.7735_7737del on transcript NM_001009944.3 (MANE Select); coding-DNA positions 7735 to 7737, 3 bases deleted (GGC; older notation c.7735_7737delGGC).
Protein change: p.Gly2579del; deletes glycine 2579.
Molecular consequence: inframe deletion.
Genome position (GRCh38, 1-based): chr16:2,105,991-2,105,993, GCC deleted on the plus strand (GGC on the coding strand, the reverse complement: PKD1 is on the minus strand); deleting any 3 consecutive bases within chr16:2,105,991-2,105,994 gives the same sequence; the c. name uses the placement nearest the transcript's 3' end. VCF-style (leftmost placement, unchanged base first): chr16-2105990-TGCC-T. GRCh37 (hg19) VCF-style: chr16-2155991-TGCC-T.
Other names: c.7735_7737del (NM_001009944.2); c.7735_7737del, p.Gly2579del (NM_000296.4); short protein forms G2579del.
Identifiers: ClinVar variation 1701966 (VCV001701966.3), dbSNP rs748240352.